The following is an entry in ClinVar:

ClinVar aggregate classification (germline): Uncertain significance (1 of 4 stars; one submission).

Submission:

GeneDx
Classification: Uncertain significance. Last evaluated: 2023-10-17. Review status: criteria provided, single submitter. Criteria: GeneDx Variant Classification Process June 2021. Collection method: clinical testing. Allele origin: germline. Affected: yes.
Comment: Not observed at significant frequency in large population cohorts (gnomAD); In silico analysis supports that this missense variant has a deleterious effect on protein structure/function; Has not been previously published as pathogenic or benign to our knowledge

NM_138576.4(BCL11B):c.2378G>A (p.Arg793His)

Gene: BCL11B (BCL11 transcription factor B; minus strand). Cytogenetic location: 14q32.2.
Variant type: single nucleotide variant.
Coding change: c.2378G>A on transcript NM_138576.4 (MANE Select); coding-DNA position 2378, G replaced by A.
Protein change: p.Arg793His; replaces arginine 793 with histidine.
Molecular consequence: missense variant.
Genome position (GRCh38, 1-based): chr14:99,174,458, C>T on the plus strand (G>A on the coding strand, the complement: BCL11B is on the minus strand). VCF-style: chr14-99174458-C-T. GRCh37 (hg19) VCF-style: chr14-99640795-C-T.
Other names: c.2375G>A, p.Arg792His (NM_001282237.2); c.2162G>A, p.Arg721His (NM_001282238.2); c.2165G>A, p.Arg722His (NM_022898.3); short protein forms R721H, R722H, R792H, R793H.
Identifiers: ClinVar variation 3366221 (VCV003366221.1).